The following is an entry in ClinVar:

NM_024685.4(BBS10):c.1389C>T (p.Gly463=)

Gene: BBS10 (Bardet-Biedl syndrome 10; minus strand). Cytogenetic location: 12q21.2.
Variant type: single nucleotide variant.
Coding change: c.1389C>T on transcript NM_024685.4 (MANE Select); coding-DNA position 1389, C replaced by T.
Protein change: p.Gly463=; no amino-acid change (glycine 463 retained).
Molecular consequence: synonymous variant.
Genome position (GRCh38, 1-based): chr12:76,346,596, G>A on the plus strand (C>T on the coding strand, the complement: BBS10 is on the minus strand). VCF-style: chr12-76346596-G-A. GRCh37 (hg19) VCF-style: chr12-76740376-G-A.
Identifiers: ClinVar variation 4996999 (VCV004996999.1).

ClinVar aggregate classification (germline): Likely benign (1 of 4 stars; one submission).

Conditions:
BBS10-related disorder. Also called: BBS10-related condition.

Submission:

PreventionGenetics, part of Exact Sciences
Classification: Likely benign for BBS10-related condition. Last evaluated: 2025-03-19. Review status: criteria provided, single submitter. Criteria: ACMG Guidelines, 2015. Collection method: clinical testing. Allele origin: germline.
Comment: This variant is classified as likely benign based on ACMG/AMP sequence variant interpretation guidelines (Richards et al. 2015 PMID: 25741868, with internal and published modifications).